The following is an entry in ClinVar:

NM_002700.3(POU4F3):c.827G>T (p.Arg276Leu)

Genes: POU4F3 (POU class 4 homeobox 3; plus strand), RBM27-POU4F3 (RBM27-POU4F3 readthrough; plus strand). Cytogenetic location: 5q32.
Variant type: single nucleotide variant.
Coding change: c.827G>T on transcript NM_002700.3 (MANE Select); coding-DNA position 827, G replaced by T.
Protein change: p.Arg276Leu; replaces arginine 276 with leucine.
Molecular consequence: missense variant. On other transcripts: 3 prime UTR variant (1).
Genome position (GRCh38, 1-based): chr5:146,340,254, G>T. VCF-style: chr5-146340254-G-T. GRCh37 (hg19) VCF-style: chr5-145719817-G-T.
Other names: c.*696G>T (NM_001414499.1); short protein forms R276L.
Identifiers: ClinVar variation 3641627 (VCV003641627.2).

ClinVar aggregate classification (germline): Uncertain significance (1 of 4 stars; one submission).

Submission:

Labcorp Genetics (formerly Invitae), Labcorp
Classification: Uncertain significance. Last evaluated: 2024-02-17. Review status: criteria provided, single submitter. Criteria: Invitae Variant Classification Sherloc (09022015). Collection method: clinical testing. Allele origin: germline.
Comment: This sequence change replaces arginine, which is basic and polar, with leucine, which is neutral and non-polar, at codon 276 of the POU4F3 protein (p.Arg276Leu). This variant is not present in population databases (gnomAD no frequency). This variant has not been reported in the literature in individuals affected with POU4F3-related conditions. Advanced modeling of protein sequence and biophysical properties (such as structural, functional, and spatial information, amino acid conservation, physicochemical variation, residue mobility, and thermodynamic stability) performed at Invitae indicates that this missense variant is expected to disrupt POU4F3 protein function with a positive predictive value of 80%. In summary, the available evidence is currently insufficient to determine the role of this variant in disease. Therefore, it has been classified as a Variant of Uncertain Significance.